The following is an entry in ClinVar:

NM_000492.4(CFTR):c.952G>A (p.Val318Met)

Gene: CFTR (CF transmembrane conductance regulator; plus strand). Cytogenetic location: 7q31.2.
Variant type: single nucleotide variant.
Coding change: c.952G>A on transcript NM_000492.4 (MANE Select); coding-DNA position 952, G replaced by A.
Protein change: p.Val318Met; replaces valine 318 with methionine.
Molecular consequence: missense variant.
Genome position (GRCh38, 1-based): chr7:117,540,182, G>A. VCF-style: chr7-117540182-G-A. GRCh37 (hg19) VCF-style: chr7-117180236-G-A.
Other names: short protein forms V318M.
Identifiers: ClinVar variation 3832565 (VCV003832565.1).
Genomic context (GRCh38, chr7:117,540,182, plus strand): 5'-AAGGCAGCCTATGTGAGATACTTCAATAGCTCAGCCTTCTTCTTCTCAGGGTTCTTTGTG[G>A]TGTTTTTATCTGTGCTTCCCTATGCACTAATCAAAGGAATCATCCTCCGGAAAATATTCA-3'
Protein context (NP_000483.3, residues 308-328): SAFFFSGFFV[Val318Met]FLSVLPYALI

ClinVar aggregate classification (germline): Uncertain significance (1 of 4 stars; one submission).

Conditions:
Cystic fibrosis (CF). Also called: MUCOVISCIDOSIS. Identifiers: Orphanet 586, MedGen C0010674, MONDO:0009061, OMIM 219700. Disease mechanism: loss of function.

Submission:

Ambry Genetics
Classification: Uncertain significance for Cystic fibrosis. Last evaluated: 2024-12-31. Review status: criteria provided, single submitter. Criteria: Ambry Variant Classification Scheme 2023. Collection method: clinical testing. Allele origin: germline.
Comment: The p.V318M variant (also known as c.952G>A), located in coding exon 8 of the CFTR gene, results from a G to A substitution at nucleotide position 952. The valine at codon 318 is replaced by methionine, an amino acid with highly similar properties. This amino acid position is conserved. In addition, the in silico prediction for this alteration is inconclusive. Based on the available evidence, the clinical significance of this variant remains unclear.